The following is an entry in ClinVar:

ClinVar aggregate classification (germline): Uncertain significance (1 of 4 stars; one submission).

Conditions:
Cardiovascular phenotype. Identifiers: MedGen CN230736.

Submission:

Ambry Genetics
Classification: Uncertain significance for Cardiovascular phenotype. Last evaluated: 2022-08-26. Review status: criteria provided, single submitter. Criteria: Ambry Variant Classification Scheme 2023. Collection method: clinical testing. Allele origin: germline.
Comment: The p.L3939V variant (also known as c.11815C>G), located in coding exon 18 of the ALMS1 gene, results from a C to G substitution at nucleotide position 11815. The leucine at codon 3939 is replaced by valine, an amino acid with highly similar properties. This amino acid position is poorly conserved in available vertebrate species. In addition, this alteration is predicted to be tolerated by in silico analysis. Since supporting evidence is limited at this time, the clinical significance of this alteration remains unclear.

NM_001378454.1(ALMS1):c.11812C>G (p.Leu3938Val)

Gene: ALMS1 (ALMS1 centrosome and basal body associated protein; plus strand). Cytogenetic location: 2p13.1.
Variant type: single nucleotide variant.
Coding change: c.11812C>G on transcript NM_001378454.1 (MANE Select); coding-DNA position 11812, C replaced by G.
Protein change: p.Leu3938Val; replaces leucine 3938 with valine.
Molecular consequence: missense variant.
Genome position (GRCh38, 1-based): chr2:73,600,821, C>G. VCF-style: chr2-73600821-C-G. GRCh37 (hg19) VCF-style: chr2-73827948-C-G.
Other names: c.11815C>G, p.Leu3939Val (NM_015120.4); short protein forms L3938V, L3939V.
Identifiers: ClinVar variation 1742226 (VCV001742226.2), dbSNP rs2466520495, ClinGen allele CA347264728.